The following is an entry in ClinVar:

ClinVar aggregate classification (germline): Uncertain significance. Review status: criteria provided, multiple submitters, no conflicts (2 of 4 stars). 3 submissions from 3 submitters: Uncertain significance (3). Last evaluated 2025-05-17.

Conditions:
Inborn genetic diseases. Identifiers: MedGen C0950123, MeSH D030342.

Allele frequency attached by ClinVar (database versions not stated): gnomAD exomes 0.00001; ExAC 0.00002.
gnomAD v4.1: 16 of 1,613,764 alleles (0.00099%); highest among the groups gnomAD compares: Non-Finnish European, 0.0014%; no homozygotes.

Submissions (3):

Ambry Genetics
Classification: Uncertain significance for Inborn genetic diseases. Last evaluated: 2025-05-17. Review status: criteria provided, single submitter. Criteria: Ambry Variant Classification Scheme 2023. Collection method: clinical testing. Allele origin: germline.

Labcorp Genetics (formerly Invitae), Labcorp
Classification: Uncertain significance. Last evaluated: 2022-08-31. Review status: criteria provided, single submitter. Criteria: Invitae Variant Classification Sherloc (09022015). Collection method: clinical testing. Allele origin: germline.
Comment: This sequence change replaces proline, which is neutral and non-polar, with glutamine, which is neutral and polar, at codon 1509 of the ADGRV1 protein (p.Pro1509Gln). This variant is present in population databases (rs757559841, gnomAD 0.002%). This variant has not been reported in the literature in individuals affected with ADGRV1-related conditions. ClinVar contains an entry for this variant (Variation ID: 1036846). Algorithms developed to predict the effect of missense changes on protein structure and function are either unavailable or do not agree on the potential impact of this missense change (SIFT: "Deleterious"; PolyPhen-2: "Probably Damaging"; Align-GVGD: "Class C0"). In summary, the available evidence is currently insufficient to determine the role of this variant in disease. Therefore, it has been classified as a Variant of Uncertain Significance.

Blueprint Genetics
Classification: Uncertain significance. Last evaluated: 2022-01-12. Review status: criteria provided, single submitter. Criteria: ACMG Guidelines, 2015. Collection method: clinical testing. Allele origin: germline.

NM_032119.4(ADGRV1):c.4526C>A (p.Pro1509Gln)

Gene: ADGRV1 (adhesion G protein-coupled receptor V1; plus strand). Cytogenetic location: 5q14.3.
Variant type: single nucleotide variant.
Coding change: c.4526C>A on transcript NM_032119.4 (MANE Select); coding-DNA position 4526, C replaced by A.
Protein change: p.Pro1509Gln; replaces proline 1509 with glutamine.
Molecular consequence: missense variant. On other transcripts: non-coding transcript variant (1).
Genome position (GRCh38, 1-based): chr5:90,658,052, C>A. VCF-style: chr5-90658052-C-A. GRCh37 (hg19) VCF-style: chr5-89953869-C-A.
Other names: c.4526C>A (NM_032119.3); short protein forms P1509Q.
Identifiers: ClinVar variation 1036846 (VCV001036846.8), dbSNP rs757559841, ClinGen allele CA3339365.
Genomic context (GRCh38, chr5:90,658,052, plus strand): 5'-AACTGACGCTTGAAGAAATTTATGAACTTCATGCCATGCCCGCAAAAAGTGATTTACACC[C>A]AATTTCTGGATATCTGGAGTTCAGACAGGGAGAAACTAACAAATCATTCATTATTTCTGC-3'
Protein context (NP_115495.3, residues 1499-1519): HAMPAKSDLH[Pro1509Gln]ISGYLEFRQG